The following is an entry in ClinVar:

NM_001126108.2(SLC12A3):c.2028C>T (p.His676=)

Gene: SLC12A3 (solute carrier family 12 member 3; plus strand). Cytogenetic location: 16q13.
Variant type: single nucleotide variant.
Coding change: c.2028C>T on transcript NM_001126108.2 (MANE Select); coding-DNA position 2028, C replaced by T.
Protein change: p.His676=; no amino-acid change (histidine 676 retained).
Molecular consequence: synonymous variant.
Genome position (GRCh38, 1-based): chr16:56,886,466, C>T. VCF-style: chr16-56886466-C-T. GRCh37 (hg19) VCF-style: chr16-56920378-C-T.
Other names: c.2028C>T, p.His676= (NM_000339.3); c.2025C>T, p.His675= (NM_001126107.2).
Identifiers: ClinVar variation 726257 (VCV000726257.22), dbSNP rs35070204, ClinGen allele CA8069687.
Genomic context (GRCh38, chr16:56,886,466, plus strand): 5'-GGCCCTGGTGGACTTTGTGGGCACCTTCACCCGGAACCTCAGCCTGATGATCTGTGGCCA[C>T]GTGCTCATCGTGAGTGGCCCCTGGAGGGGCACAGGGGACCAGGCATGGTGGCTCATGCCT-3'
Protein context (NP_001119580.2, residues 666-686): TRNLSLMICG[His676=]VLIGPHKQRM

ClinVar aggregate classification (germline): Conflicting classifications of pathogenicity. Review status: criteria provided, conflicting classifications (1 of 4 stars). 6 submissions from 6 submitters: Uncertain significance (1); Benign (1); Likely benign (3). 1 of the submissions does not count toward it. Last evaluated 2026-04-15.

Conditions:
Familial hypokalemia-hypomagnesemia (GTLMNS). Also called: HYPOMAGNESEMIA-HYPOKALEMIA, PRIMARY RENOTUBULAR, WITH HYPOCALCIURIA; POTASSIUM AND MAGNESIUM DEPLETION; gitelman syndrome. Identifiers: Orphanet 358, MedGen C0268450, MONDO:0009904, OMIM 263800.
SLC12A3-related disorder. Also called: SLC12A3-related condition.

Allele frequency attached by ClinVar (database versions not stated): TOPMed 0.00062; ESP Exome Variant Server 0.00069; gnomAD 0.00073; 1000 Genomes Project 30x 0.00094; 1000 Genomes Project 0.00100.
gnomAD v4.1: 282 of 1,613,526 alleles (0.017%); highest among the groups gnomAD compares: African/African-American, 0.24%; no homozygotes.

Submissions (6):

PreventionGenetics, part of Exact Sciences
Classification: Likely benign for SLC12A3-related condition. Last evaluated: 2026-04-15. Review status: criteria provided, single submitter. Criteria: ACMG Guidelines, 2015. Collection method: clinical testing. Allele origin: germline.
Comment: This variant is classified as likely benign based on ACMG/AMP sequence variant interpretation guidelines (Richards et al. 2015 PMID: 25741868, with internal and published modifications).

Labcorp Genetics (formerly Invitae), Labcorp
Classification: Benign. Last evaluated: 2025-09-25. Review status: criteria provided, single submitter. Criteria: Invitae Variant Classification Sherloc (09022015). Collection method: clinical testing. Allele origin: germline.

Blueprint Genetics
Classification: Likely benign. Last evaluated: 2024-07-17. Review status: criteria provided, single submitter. Criteria: ACMG Guidelines, 2015. Collection method: clinical testing. Allele origin: germline.

Genome-Nilou Lab
Classification: Likely benign for Familial hypokalemia-hypomagnesemia. Last evaluated: 2021-07-15. Review status: criteria provided, single submitter. Criteria: ACMG Guidelines, 2015. Collection method: clinical testing. Allele origin: germline. Affected: no.

Illumina Laboratory Services, Illumina
Classification: Uncertain significance for Familial hypokalemia-hypomagnesemia. Last evaluated: 2017-04-27. Review status: criteria provided, single submitter. Criteria: ICSL Variant Classification Criteria 13 December 2019. Collection method: clinical testing. Allele origin: germline.

Natera, Inc.
Classification: Likely benign for Gitelman syndrome. Last evaluated: 2020-02-23. Review status: no assertion criteria provided. Collection method: clinical testing. Allele origin: germline. Not counted in ClinVar's aggregate classification.